The following is an entry in ClinVar:

NM_000455.5(STK11):c.1190C>A (p.Ala397Glu)

Gene: STK11 (serine/threonine kinase 11; plus strand). Cytogenetic location: 19p13.3.
Variant type: single nucleotide variant.
Coding change: c.1190C>A on transcript NM_000455.5 (MANE Select); coding-DNA position 1190, C replaced by A.
Protein change: p.Ala397Glu; replaces alanine 397 with glutamic acid.
Molecular consequence: missense variant.
Genome position (GRCh38, 1-based): chr19:1,226,535, C>A. VCF-style: chr19-1226535-C-A. GRCh37 (hg19) VCF-style: chr19-1226534-C-A.
Other names: short protein forms A397E.
Identifiers: ClinVar variation 419151 (VCV000419151.3), dbSNP rs558040549, ClinGen allele CA16620759.

ClinVar aggregate classification (germline): Uncertain significance (1 of 4 stars; one submission).

Submission:

GeneDx
Classification: Uncertain significance. Last evaluated: 2024-03-12. Review status: criteria provided, single submitter. Criteria: GeneDx Variant Classification Process June 2021. Collection method: clinical testing. Allele origin: germline. Affected: yes.
Comment: Not observed at significant frequency in large population cohorts (gnomAD); In silico analysis supports that this missense variant does not alter protein structure/function; Has not been previously published as pathogenic or benign to our knowledge; This variant is associated with the following publications: (PMID: 28900777)